The following is an entry in ClinVar:

ClinVar aggregate classification (germline): Conflicting classifications of pathogenicity. Review status: criteria provided, conflicting classifications (1 of 4 stars). 2 submissions from 2 submitters: Uncertain significance (1); Likely benign (1). Last evaluated 2026-05-01.

Conditions:
Hereditary cancer-predisposing syndrome. Also called: Neoplastic Syndromes, Hereditary; Tumor predisposition; Hereditary Cancer Syndrome; Hereditary neoplastic syndrome. Identifiers: Orphanet 140162, MedGen C0027672, MeSH D009386, MONDO:0015356.

Submissions (2):

Ambry Genetics
Classification: Likely benign for Hereditary cancer-predisposing syndrome. Last evaluated: 2026-05-01. Review status: criteria provided, single submitter. Criteria: Ambry Variant Classification Scheme 2023. Collection method: clinical testing. Allele origin: germline.

Color Diagnostics, LLC DBA Color Health
Classification: Uncertain significance for Hereditary cancer-predisposing syndrome. Last evaluated: 2025-11-12. Review status: criteria provided, single submitter. Criteria: ACMG Guidelines, 2015. Collection method: clinical testing. Allele origin: germline.
Comment: This missense variant replaces glutamic acid with glutamine at codon 73 of the MUTYH protein. Computational prediction suggests that this variant may not impact protein structure and function. To our knowledge, functional studies have not been reported for this variant. This variant has not been reported in individuals affected with MUTYH-related disorders in the literature. This variant has not been identified in the general population by the Genome Aggregation Database (gnomAD). The available evidence is insufficient to determine the role of this variant in disease conclusively. Therefore, this variant is classified as a Variant of Uncertain Significance.

NM_001048174.2(MUTYH):c.133G>C (p.Glu45Gln)

Gene: MUTYH (mutY DNA glycosylase; minus strand). Cytogenetic location: 1p34.1.
Variant type: single nucleotide variant.
Coding change: c.133G>C on transcript NM_001048174.2 (MANE Select); coding-DNA position 133, G replaced by C.
Protein change: p.Glu45Gln; replaces glutamic acid 45 with glutamine.
Molecular consequence: missense variant. On other transcripts: non-coding transcript variant (5), intron variant (5), 5 prime UTR variant (1).
Genome position (GRCh38, 1-based): chr1:45,333,544, C>G on the plus strand (G>C on the coding strand, the complement: MUTYH is on the minus strand). VCF-style: chr1-45333544-C-G. GRCh37 (hg19) VCF-style: chr1-45799216-C-G.
Other names: c.136G>C, p.Glu46Gln (NM_001407078.1, NM_001407079.1, NM_001407086.1 and 2 more transcripts); c.133G>C, p.Glu45Gln (NM_001407080.1, NM_001407081.1, NM_001407088.1 and 6 more transcripts); c.175G>C, p.Glu59Gln (NM_001407083.1, NM_001407085.1, NM_001407073.1); c.154G>C, p.Glu52Gln (NM_001407087.1); c.208G>C, p.Glu70Gln (NM_012222.3, NM_001407069.1); c.-92-47G>C (NM_001350651.2, NM_001407082.1); c.-97-47G>C (NM_001293192.2, NM_001293196.2, NM_001407091.1); c.-139G>C (NM_001350650.2); and 4 more; short protein forms E17Q, E45Q, E46Q, E52Q, E56Q, E59Q, E60Q, E70Q.
Identifiers: ClinVar variation 4758282 (VCV004758282.2).